The following is an entry in ClinVar:

ClinVar aggregate classification (germline): Uncertain significance (1 of 4 stars; one submission).

Submission:

Women's Health and Genetics/Laboratory Corporation of America, LabCorp
Classification: Uncertain significance. Last evaluated: 2024-02-14. Review status: criteria provided, single submitter. Criteria: LabCorp Variant Classification Summary - May 2015. Collection method: clinical testing. Allele origin: germline.
Comment: Variant summary: TTN c.96065A>G (p.Lys32022Arg) results in a conservative amino acid change located in the M-band of the encoded protein sequence. Two of three in-silico tools predict a benign effect of the variant on protein function. The variant was absent in 248846 control chromosomes. The available data on variant occurrences in the general population are insufficient to allow any conclusion about variant significance. To our knowledge, no occurrence of c.96065A>G in individuals affected with Limb-Girdle Muscular Dystrophy, Type 2J and no experimental evidence demonstrating its impact on protein function have been reported. No submitters have cited clinical-significance assessments for this variant to ClinVar. Based on the evidence outlined above, the variant was classified as uncertain significance.

NM_001267550.2(TTN):c.103769A>G (p.Lys34590Arg)

Genes: TTN (titin; minus strand), TTN-AS1 (TTN antisense RNA 1; plus strand). Cytogenetic location: 2q31.2.
Variant type: single nucleotide variant.
Coding change: c.103769A>G on transcript NM_001267550.2 (MANE Select); coding-DNA position 103769, A replaced by G.
Protein change: p.Lys34590Arg; replaces lysine 34590 with arginine.
Molecular consequence: missense variant.
Genome position (GRCh38, 1-based): chr2:178,532,846, T>C on the plus strand (A>G on the coding strand, the complement: TTN is on the minus strand). VCF-style: chr2-178532846-T-C. GRCh37 (hg19) VCF-style: chr2-179397573-T-C.
Other names: c.98846A>G, p.Lys32949Arg (NM_001256850.1); c.76574A>G, p.Lys25525Arg (NM_003319.4); c.96065A>G, p.Lys32022Arg (NM_133378.4); c.76949A>G, p.Lys25650Arg (NM_133432.3); c.77150A>G, p.Lys25717Arg (NM_133437.4); short protein forms K25525R, K25650R, K25717R, K32022R, K32949R, K34590R.
Identifiers: ClinVar variation 3068802 (VCV003068802.2), dbSNP rs2468467869, ClinGen allele CA349413544.
Genomic context (GRCh38, chr2:178,532,846, plus strand): 5'-CGTGGAAGAGGCATCACATAGAACTGTTCCCATCTTGAAAGGCGGATGCGCTTGGGTCGT[T>C]TCTGTACAACTCTGTCAAGTTTCCCAGGCATTTCATACTGATCACGTATCTTTTTATACC-3'
Protein context (NP_001254479.2, residues 34580-34600): MPGKLDRVVQ[Lys34590Arg]RPKRIRLSRW